The following is an entry in ClinVar:

NM_198834.3(ACACA):c.471+15_471+16delinsTT

Gene: ACACA (acetyl-CoA carboxylase alpha; minus strand). Cytogenetic location: 17q12.
Variant type: Indel.
Coding change: c.471+15_471+16delinsTT on transcript NM_198834.3 (MANE Select); bases 15 to 16 of the intron after coding-DNA position 471, GC replaced by TT.
Molecular consequence: intron variant.
Genome position (GRCh38, 1-based): chr17:37,284,822-37,284,823, GC replaced by AA on the plus strand (GC replaced by TT on the coding strand, the reverse complement: ACACA is on the minus strand). VCF-style: chr17-37284822-GC-AA. GRCh37 (hg19) VCF-style: chr17-35641723-GC-AA.
Other names: c.360+15_360+16delinsTT (NM_198839.3, NM_198836.3); c.186+15_186+16delinsTT (NM_198837.2); c.126+15_126+16delinsTT (NM_198838.2).
Identifiers: ClinVar variation 3603977 (VCV003603977.2).
Genomic context (GRCh38, chr17:37,284,822, plus strand): 5'-AATCTAGACAACAAATCTAGGCAAGCATTAAATCCTAAGTGCTTTTGACAAAATAATTCA[GC>AA]AAGTTACAACTTACCTTCTCAATCACTTTATTTCCCCCAAAGCGAGTAACAAATTCTGCT-3'

ClinVar aggregate classification (germline): Uncertain significance (1 of 4 stars; one submission).

Submission:

Labcorp Genetics (formerly Invitae), Labcorp
Classification: Uncertain significance. Last evaluated: 2025-07-31. Review status: criteria provided, single submitter. Criteria: Invitae Variant Classification Sherloc (09022015). Collection method: clinical testing. Allele origin: germline.
Comment: This sequence change falls in intron 8 of the ACACA gene. It does not directly change the encoded amino acid sequence of the ACACA protein. Information on the frequency of this variant in the gnomAD database is not available, as this variant may be reported differently in the database. This variant has not been reported in the literature in individuals affected with ACACA-related conditions. ClinVar contains an entry for this variant (Variation ID: 3603977). Experimental studies and prediction algorithms are not available or were not evaluated, and the effect of this variant on mRNA splicing is currently unknown. In summary, the available evidence is currently insufficient to determine the role of this variant in disease. Therefore, it has been classified as a Variant of Uncertain Significance.